The following is an entry in ClinVar:

ClinVar aggregate classification (germline): Pathogenic/Likely pathogenic. Review status: criteria provided, multiple submitters, no conflicts (2 of 4 stars). 3 submissions from 3 submitters: Pathogenic (2); Likely pathogenic (1). Last evaluated 2023-03-20.

Conditions:
SLC24A1-related disorder. Also called: SLC24A1-related condition.
Retinal dystrophy. Also called: Inherited retinal dystrophy. Identifiers: Orphanet 71862, MedGen C0854723, MeSH D058499, MONDO:0019118, HP:0000556.

Submissions (3):

Labcorp Genetics (formerly Invitae), Labcorp
Classification: Pathogenic. Last evaluated: 2023-03-20. Review status: criteria provided, single submitter. Criteria: Invitae Variant Classification Sherloc (09022015). Collection method: clinical testing. Allele origin: germline.
Comment: This sequence change creates a premature translational stop signal (p.Ser378Asnfs*45) in the SLC24A1 gene. It is expected to result in an absent or disrupted protein product. Loss-of-function variants in SLC24A1 are known to be pathogenic (PMID: 20850105, 26822852). This variant is present in population databases (no rsID available, gnomAD 0.0009%). This variant has not been reported in the literature in individuals affected with SLC24A1-related conditions. ClinVar contains an entry for this variant (Variation ID: 866411). For these reasons, this variant has been classified as Pathogenic.

Institute of Human Genetics, Univ. Regensburg, Univ. Regensburg
Classification: Pathogenic for Retinal dystrophy. Last evaluated: 2022-01-01. Review status: criteria provided, single submitter. Criteria: ACMG Guidelines, 2015. Collection method: clinical testing. Allele origin: germline. Affected: yes.

Blueprint Genetics
Classification: Likely pathogenic for SLC24A1-related disorders. Last evaluated: 2019-07-09. Review status: criteria provided, single submitter. Criteria: ACMG Guidelines, 2015. Collection method: clinical testing. Allele origin: germline. Affected: yes. Observed: 1 variant allele.

Literature cited by the submitters: PubMed 20850105 (cited by Labcorp Genetics (formerly Invitae), Labcorp); PubMed 26822852 (cited by Labcorp Genetics (formerly Invitae), Labcorp); PubMed 31964843 (cited by Institute of Human Genetics, Univ. Regensburg, Univ. Regensburg).

NM_004727.3(SLC24A1):c.1132_1133del (p.Ser378fs)

Gene: SLC24A1 (solute carrier family 24 member 1; plus strand). Cytogenetic location: 15q22.31.
Variant type: Deletion.
Coding change: c.1132_1133del on transcript NM_004727.3 (MANE Select); coding-DNA positions 1132 to 1133, 2 bases deleted (TC; older notation c.1132_1133delTC).
Protein change: p.Ser378fs; shifts the reading frame from serine 378.
Molecular consequence: frameshift variant.
Genome position (GRCh38, 1-based): chr15:65,625,212-65,625,213, TC deleted; deleting any 2 consecutive bases within chr15:65,625,211-65,625,213 gives the same sequence; the c. name uses the placement nearest the transcript's 3' end. VCF-style (leftmost placement, unchanged base first): chr15-65625210-CCT-C. GRCh37 (hg19) VCF-style: chr15-65917548-CCT-C.
Other names: c.1132_1133del, p.Ser378fs (NM_001301031.1, NM_001301032.1, NM_001301033.2); short protein forms S378fs.
Identifiers: ClinVar variation 866411 (VCV000866411.8), dbSNP rs1566947860, ClinGen allele CA618957969.